The following is an entry in ClinVar:

NM_194454.3(KRIT1):c.1619_1632del (p.Leu540fs)

Gene: KRIT1 (KRIT1 ankyrin repeat containing; minus strand). Cytogenetic location: 7q21.2.
Variant type: Deletion.
Coding change: c.1619_1632del on transcript NM_194454.3 (MANE Select); coding-DNA positions 1619 to 1632, 14 bases deleted (TGAAGGGCTTTTAT).
Protein change: p.Leu540fs; shifts the reading frame from leucine 540.
Molecular consequence: frameshift variant.
Genome position (GRCh38, 1-based): chr7:92,214,709-92,214,722, ATAAAAGCCCTTCA deleted on the plus strand (TGAAGGGCTTTTAT on the coding strand, the reverse complement: KRIT1 is on the minus strand); deleting any 14 consecutive bases within chr7:92,214,709-92,214,727 gives the same sequence; the c. name uses the placement nearest the transcript's 3' end. VCF-style (leftmost placement, unchanged base first): chr7-92214708-TATAAAAGCCCTTCA-T. GRCh37 (hg19) VCF-style: chr7-91844022-TATAAAAGCCCTTCA-T.
Other names: c.1475_1488del, p.Leu492fs (NM_001013406.2, NM_001350669.1, NM_001350670.1); c.905_918del, p.Leu302fs (NM_001350671.1); c.1619_1632del, p.Leu540fs (NM_001350672.1, NM_001350673.1, NM_001350674.1 and 26 more transcripts); short protein forms L302fs, L492fs, L540fs.
Identifiers: ClinVar variation 3726186 (VCV003726186.2).
Genomic context (GRCh38, chr7:92,214,708, plus strand): 5'-TTCCATAGACTATTTGCAAAAGCAGACTTGCCAATGTTATCAGCTTAGCATCAGGAGCTG[TATAAAAGCCCTTCA>T]ATAAATTATATCTGGCTTCATCAAAGAGAATAAGAATAGCTAGTGGGTCTTCAATCTTAA-3'

ClinVar aggregate classification (germline): Pathogenic (1 of 4 stars; one submission).

Conditions:
Cerebral cavernous malformation (CCM). Also called: Cavernous Hemangioma of Brain; Cerebral cavernous hemangioma (type); CAVERNOUS ANGIOMA, FAMILIAL; CAVERNOUS ANGIOMATOUS MALFORMATIONS; CEREBRAL CAPILLARY MALFORMATIONS; Cerebral cavernous malformations. Identifiers: Orphanet 221061, MedGen C2919945, MONDO:0000820, OMIM 116860, HP:0033522.

Submission:

Labcorp Genetics (formerly Invitae), Labcorp
Classification: Pathogenic for Cerebral cavernous malformation. Last evaluated: 2024-11-27. Review status: criteria provided, single submitter. Criteria: Invitae Variant Classification Sherloc (09022015). Collection method: clinical testing. Allele origin: germline.
Comment: This sequence change creates a premature translational stop signal (p.Leu540Tyrfs*4) in the KRIT1 gene. It is expected to result in an absent or disrupted protein product. Loss-of-function variants in KRIT1 are known to be pathogenic (PMID: 10508515, 11222804, 12404106, 24689081). This variant is not present in population databases (gnomAD no frequency). This variant has not been reported in the literature in individuals affected with KRIT1-related conditions. For these reasons, this variant has been classified as Pathogenic.

Literature cited by the submitters: PubMed 10508515; PubMed 11222804; PubMed 12404106; PubMed 24689081.